The following is an entry in ClinVar:

ClinVar aggregate classification (germline): Likely benign (0 of 4 stars; one submission).

Conditions:
PLXNA3-related disorder. Also called: PLXNA3-related condition.

gnomAD v4.1: 14 of 1,206,663 alleles (0.0012%); highest among the groups gnomAD compares: South Asian, 0.0036%; no homozygotes.

Submission:

PreventionGenetics, part of Exact Sciences
Classification: Likely benign for PLXNA3-related condition. Last evaluated: 2022-07-28. Review status: no assertion criteria provided. Collection method: clinical testing. Allele origin: germline.
Comment: This variant is classified as likely benign based on ACMG/AMP sequence variant interpretation guidelines (Richards et al. 2015 PMID: 25741868, with internal and published modifications).

NM_017514.5(PLXNA3):c.1986G>A (p.Thr662=)

Gene: PLXNA3 (plexin A3; plus strand). Cytogenetic location: Xq28.
Variant type: single nucleotide variant.
Coding change: c.1986G>A on transcript NM_017514.5 (MANE Select); coding-DNA position 1986, G replaced by A.
Protein change: p.Thr662=; no amino-acid change (threonine 662 retained).
Molecular consequence: synonymous variant.
Genome position (GRCh38, 1-based): chrX:154,464,811, G>A. VCF-style: chrX-154464811-G-A. GRCh37 (hg19) VCF-style: chrX-153693154-G-A.
Identifiers: ClinVar variation 3358845 (VCV003358845.1).